The following is an entry in ClinVar:

NM_001061.7(TBXAS1):c.373_374del (p.Leu125fs)

Gene: TBXAS1 (thromboxane A synthase 1; plus strand). Cytogenetic location: 7q34.
Variant type: Deletion.
Coding change: c.373_374del on transcript NM_001061.7 (MANE Select); coding-DNA positions 373 to 374, 2 bases deleted (CT; older notation c.373_374delCT).
Protein change: p.Leu125fs; shifts the reading frame from leucine 125.
Molecular consequence: frameshift variant.
Genome position (GRCh38, 1-based): chr7:139,936,230-139,936,231, CT deleted; deleting any 2 consecutive bases within chr7:139,936,229-139,936,231 gives the same sequence; the c. name uses the placement nearest the transcript's 3' end. VCF-style (leftmost placement, unchanged base first): chr7-139936228-TTC-T. GRCh37 (hg19) VCF-style: chr7-139636027-TTC-T.
Other names: c.373_374del, p.Leu125fs (NM_001130966.5, NM_001166253.4, NM_030984.6); c.172_173del, p.Leu58fs (NM_001166254.4); c.316_317del, p.Leu106fs (NM_001314028.4); c.190_191del, p.Leu64fs (NM_001366537.3); short protein forms L106fs, L125fs, L58fs, L64fs.
Identifiers: ClinVar variation 3358487 (VCV003358487.3).

ClinVar aggregate classification (germline): Pathogenic. Review status: criteria provided, single submitter (1 of 4 stars). 2 submissions from 2 submitters: Pathogenic (1). 1 of the submissions does not count toward it. Last evaluated 2024-10-22.

Conditions:
TBXAS1-related disorder. Also called: TBXAS1-related condition.

Submissions (2):

Labcorp Genetics (formerly Invitae), Labcorp
Classification: Pathogenic. Last evaluated: 2024-10-22. Review status: criteria provided, single submitter. Criteria: Invitae Variant Classification Sherloc (09022015). Collection method: clinical testing. Allele origin: germline.
Comment: This sequence change creates a premature translational stop signal (p.Leu126Valfs*4) in the TBXAS1 gene. It is expected to result in an absent or disrupted protein product. Loss-of-function variants in TBXAS1 are known to be pathogenic (PMID: 22735388). This variant is present in population databases (no rsID available, gnomAD 0.003%). This variant has not been reported in the literature in individuals affected with TBXAS1-related conditions. For these reasons, this variant has been classified as Pathogenic.

PreventionGenetics, part of Exact Sciences
Classification: Uncertain significance for TBXAS1-related condition. Last evaluated: 2024-04-11. Review status: no assertion criteria provided. Collection method: clinical testing. Allele origin: germline. Not counted in ClinVar's aggregate classification.
Comment: The TBXAS1 c.376_377delCT variant is predicted to result in a frameshift and premature protein termination (p.Leu126Valfs*4). To our knowledge, this variant has not been reported in the literature. This variant is reported in 0.0029% of alleles in individuals of Latino descent in gnomAD. Although we suspect that this variant may be pathogenic, at this time, the clinical significance of this variant is uncertain due to the absence of conclusive functional and genetic evidence.

Literature cited by the submitters: PubMed 22735388 (cited by Labcorp Genetics (formerly Invitae), Labcorp).